The following is an entry in ClinVar:

NM_005560.6(LAMA5):c.6238G>A (p.Glu2080Lys)

Gene: LAMA5 (laminin subunit alpha 5; minus strand). Cytogenetic location: 20q13.33.
Variant type: single nucleotide variant.
Coding change: c.6238G>A on transcript NM_005560.6 (MANE Select); coding-DNA position 6238, G replaced by A.
Protein change: p.Glu2080Lys; replaces glutamic acid 2080 with lysine.
Molecular consequence: missense variant.
Genome position (GRCh38, 1-based): chr20:62,322,377, C>T on the plus strand (G>A on the coding strand, the complement: LAMA5 is on the minus strand). VCF-style: chr20-62322377-C-T. GRCh37 (hg19) VCF-style: chr20-60897433-C-T.
Other names: short protein forms E2080K.
Identifiers: ClinVar variation 2349790 (VCV002349790.3), dbSNP rs780026582, ClinGen allele CA9941835.
Genomic context (GRCh38, chr20:62,322,377, plus strand): 5'-GGCACTGGGGTCCCATGGTCCCTGGTCGGCAGTGGCACTGTCCGCTCTGGGGGTGGCACT[C>T]GGAGCCCTCGGCGGCCGGTCCACAAGCACACGGGCGGCAGCCCCCGCAGCCATCGAAACC-3'
Protein context (NP_005551.3, residues 2070-2090): CACGPAAEGS[Glu2080Lys]CHPQSGQCHC

ClinVar aggregate classification (germline): Uncertain significance. Review status: criteria provided, multiple submitters, no conflicts (2 of 4 stars). 2 submissions from 2 submitters: Uncertain significance (2). Last evaluated 2023-12-11.

Conditions:
Inborn genetic diseases. Identifiers: MedGen C0950123, MeSH D030342.

Allele frequency attached by ClinVar (database versions not stated): gnomAD 0.00003; TOPMed 0.00003; gnomAD exomes 0.00007; ExAC 0.00014.
gnomAD v4.1: 109 of 1,590,858 alleles (0.0069%); highest among the groups gnomAD compares: Middle Eastern, 0.017%; no homozygotes.

Submissions (2):

Labcorp Genetics (formerly Invitae), Labcorp
Classification: Uncertain significance. Last evaluated: 2023-12-11. Review status: criteria provided, single submitter. Criteria: Invitae Variant Classification Sherloc (09022015). Collection method: clinical testing. Allele origin: germline.
Comment: This sequence change replaces glutamic acid, which is acidic and polar, with lysine, which is basic and polar, at codon 2080 of the LAMA5 protein (p.Glu2080Lys). This variant is present in population databases (rs780026582, gnomAD 0.01%). This variant has not been reported in the literature in individuals affected with LAMA5-related conditions. ClinVar contains an entry for this variant (Variation ID: 2349790). Algorithms developed to predict the effect of missense changes on protein structure and function output the following: SIFT: "Not Available"; PolyPhen-2: "Benign"; Align-GVGD: "Not Available". The lysine amino acid residue is found in multiple mammalian species, which suggests that this missense change does not adversely affect protein function. In summary, the available evidence is currently insufficient to determine the role of this variant in disease. Therefore, it has been classified as a Variant of Uncertain Significance.

Ambry Genetics
Classification: Uncertain significance for Inborn genetic diseases. Last evaluated: 2021-07-13. Review status: criteria provided, single submitter. Criteria: Ambry Variant Classification Scheme 2023. Collection method: clinical testing. Allele origin: germline.